The following is an entry in ClinVar:

NM_001277115.2(DNAH11):c.2412A>G (p.Thr804=)

Gene: DNAH11 (dynein axonemal heavy chain 11; plus strand). Cytogenetic location: 7p15.3.
Variant type: single nucleotide variant.
Coding change: c.2412A>G on transcript NM_001277115.2 (MANE Select); coding-DNA position 2412, A replaced by G.
Protein change: p.Thr804=; no amino-acid change (threonine 804 retained).
Molecular consequence: synonymous variant.
Genome position (GRCh38, 1-based): chr7:21,591,322, A>G. VCF-style: chr7-21591322-A-G. GRCh37 (hg19) VCF-style: chr7-21630940-A-G.
Identifiers: ClinVar variation 416410 (VCV000416410.19), dbSNP rs564401238, ClinGen allele CA4179332.
Genomic context (GRCh38, chr7:21,591,322, plus strand): 5'-GATTGAAGATGAGCTGAGGGCTATTGACGAGCAGCTGACAGCAGCCACAACGTGGCTGAC[A>G]TGGCAGGATGACTGCTGGGGCTACATCGAGAGGGTGAGGGCAGCCACGTCCGAGTTGGAG-3'
Protein context (NP_001264044.1, residues 794-814): EQLTAATTWL[Thr804=]WQDDCWGYIE

ClinVar aggregate classification (germline): Conflicting classifications of pathogenicity. Review status: criteria provided, conflicting classifications (1 of 4 stars). 4 submissions from 4 submitters: Uncertain significance (1); Likely benign (2). 1 of the submissions does not count toward it. Last evaluated 2026-05-23.

Conditions:
DNAH11-related disorder. Also called: DNAH11-related condition.
Primary ciliary dyskinesia. Also called: Ciliary dyskinesia. Identifiers: Orphanet 244, MedGen C0008780, MONDO:0016575, HP:0012265.
Primary ciliary dyskinesia 7. Also called: CILIARY DYSKINESIA, PRIMARY, 7, WITH OR WITHOUT SITUS INVERSUS. Identifiers: Orphanet 244, MedGen C2678473, MONDO:0012748, OMIM 611884.

Allele frequency attached by ClinVar (database versions not stated): gnomAD below 0.00001 and 0.00005; TOPMed 0.00003; gnomAD exomes 0.00004; ExAC 0.00008; 1000 Genomes Project 30x 0.00016; 1000 Genomes Project 0.00020.
gnomAD v4.1: 61 of 1,613,976 alleles (0.0038%); highest among the groups gnomAD compares: East Asian, 0.045%; 1 homozygote.

Submissions (4):

Ambry Genetics
Classification: Likely benign for Primary ciliary dyskinesia. Last evaluated: 2026-05-23. Review status: criteria provided, single submitter. Criteria: Ambry Variant Classification Scheme 2023. Collection method: clinical testing. Allele origin: germline.

Labcorp Genetics (formerly Invitae), Labcorp
Classification: Likely benign for Primary ciliary dyskinesia. Last evaluated: 2026-01-28. Review status: criteria provided, single submitter. Criteria: Invitae Variant Classification Sherloc (09022015). Collection method: clinical testing. Allele origin: germline.

Illumina Laboratory Services, Illumina
Classification: Uncertain significance for Primary ciliary dyskinesia 7. Last evaluated: 2018-01-12. Review status: criteria provided, single submitter. Criteria: ICSL Variant Classification Criteria 13 December 2019. Collection method: clinical testing. Allele origin: germline.

PreventionGenetics, part of Exact Sciences
Classification: Likely benign for DNAH11-related condition. Last evaluated: 2019-11-06. Review status: no assertion criteria provided. Collection method: clinical testing. Allele origin: germline. Not counted in ClinVar's aggregate classification.
Comment: This variant is classified as likely benign based on ACMG/AMP sequence variant interpretation guidelines (Richards et al. 2015 PMID: 25741868, with internal and published modifications).